The following is an entry in ClinVar:

NM_001173467.3(SP7):c.22-164C>T

Gene: SP7 (Sp7 transcription factor; minus strand). Cytogenetic location: 12q13.13.
Variant type: single nucleotide variant.
Coding change: c.22-164C>T on transcript NM_001173467.3 (MANE Select); 164 bases into the intron before coding-DNA position 22, C replaced by T.
Molecular consequence: intron variant.
Genome position (GRCh38, 1-based): chr12:53,329,584, G>A on the plus strand (C>T on the coding strand, the complement: SP7 is on the minus strand). VCF-style: chr12-53329584-G-A. GRCh37 (hg19) VCF-style: chr12-53723368-G-A.
Other names: c.-33-164C>T (NM_001300837.2); c.22-164C>T (NM_152860.2).
Identifiers: ClinVar variation 667626 (VCV000667626.2), dbSNP rs10747667, ClinGen allele CA13709307.
Genomic context (GRCh38, chr12:53,329,584, plus strand): 5'-GGGGTCAGGGAAGAGTTGAAGAGGGTGGAGAATTACAGGTAAAAGAGGTTAGCCAGTGAG[G>A]GCTGGACCTCAGGGCAGACTCATGGAGTCGTGGGAAGAAGAACAGAGGCCCAAGACTGCA-3'

ClinVar aggregate classification (germline): Benign. Review status: criteria provided, multiple submitters, no conflicts (2 of 4 stars). 2 submissions from 2 submitters: Benign (2). Last evaluated 2018-06-19.

Allele frequency attached by ClinVar (database versions not stated): TOPMed 0.90917; gnomAD 0.91459 and 0.92072; 1000 Genomes Project 30x 0.91490; 1000 Genomes Project 0.91953.
gnomAD v4.1: 140,199 of 152,118 alleles (92%); highest among the groups gnomAD compares: East Asian, 100%; 65,729 homozygotes.

Submissions (2):

GeneDx
Classification: Benign. Last evaluated: 2018-06-19. Review status: criteria provided, single submitter. Criteria: GeneDx Variant Classification (06012015). Collection method: clinical testing. Allele origin: germline. Affected: yes.
Comment: This variant is considered likely benign or benign based on one or more of the following criteria: it is a conservative change, it occurs at a poorly conserved position in the protein, it is predicted to be benign by multiple in silico algorithms, and/or has population frequency not consistent with disease.

Breakthrough Genomics
Classification: Benign. Review status: criteria provided, single submitter. Criteria: ACMG Guidelines, 2015. Collection method: not provided. Allele origin: germline. Inheritance: Autosomal recessive inheritance. Affected: yes.